The following is an entry in ClinVar:

ClinVar aggregate classification (germline): Uncertain significance (1 of 4 stars; one submission).

Conditions:
Tuberous sclerosis 1 (TSC1). Identifiers: Orphanet 805, MedGen C1854465, MONDO:0008612, OMIM 191100.

Submission:

Labcorp Genetics (formerly Invitae), Labcorp
Classification: Uncertain significance for Tuberous sclerosis 1. Last evaluated: 2020-01-14. Review status: criteria provided, single submitter. Criteria: Invitae Variant Classification Sherloc (09022015). Collection method: clinical testing. Allele origin: germline.
Comment: In summary, the available evidence is currently insufficient to determine the role of this variant in disease. Therefore, it has been classified as a Variant of Uncertain Significance. Algorithms developed to predict the effect of missense changes on protein structure and function are either unavailable or do not agree on the potential impact of this missense change (SIFT: "Tolerated"; PolyPhen-2: "Possibly Damaging"; Align-GVGD: "Class C0"). This variant has not been reported in the literature in individuals with TSC1-related conditions. This variant is not present in population databases (ExAC no frequency). This sequence change replaces aspartic acid with tyrosine at codon 693 of the TSC1 protein (p.Asp693Tyr). The aspartic acid residue is weakly conserved and there is a large physicochemical difference between aspartic acid and tyrosine.

NM_000368.5(TSC1):c.2077G>T (p.Asp693Tyr)

Gene: TSC1 (TSC complex subunit 1; minus strand). Cytogenetic location: 9q34.13.
Variant type: single nucleotide variant.
Coding change: c.2077G>T on transcript NM_000368.5 (MANE Select); coding-DNA position 2077, G replaced by T.
Protein change: p.Asp693Tyr; replaces aspartic acid 693 with tyrosine.
Molecular consequence: missense variant.
Genome position (GRCh38, 1-based): chr9:132,903,782, C>A on the plus strand (G>T on the coding strand, the complement: TSC1 is on the minus strand). VCF-style: chr9-132903782-C-A. GRCh37 (hg19) VCF-style: chr9-135779169-C-A.
Other names: c.1714G>T, p.Asp572Tyr (NM_001362177.2); c.2074G>T, p.Asp692Tyr (NM_001162426.2); c.1924G>T, p.Asp642Tyr (NM_001162427.2); short protein forms D572Y, D642Y, D692Y, D693Y.
Identifiers: ClinVar variation 1027197 (VCV001027197.9), dbSNP rs397514800, ClinGen allele CA375361106.
Genomic context (GRCh38, chr9:132,903,782, plus strand): 5'-CATGCTGCTGCCTCTTAAAACGCTCATAGAGTAACTGGTTGTGCAGTAAAAGCAACTGGT[C>A]TCGGAGGGTGCGGATCTCATCTGAAGGAGGAGAGCCTGATTGTAAAGCAGAGGGAGGGTG-3'
Protein context (NP_000359.1, residues 683-703): PPSDEIRTLR[Asp693Tyr]QLLLLHNQLL